The following is an entry in ClinVar:

ClinVar aggregate classification (germline): Uncertain significance (1 of 4 stars; one submission).

gnomAD v4.1: 1 of 1,614,154 alleles (0.000062%); highest among the groups gnomAD compares: South Asian, 0.0011%; no homozygotes.

Submission:

Labcorp Genetics (formerly Invitae), Labcorp
Classification: Uncertain significance. Last evaluated: 2025-12-03. Review status: criteria provided, single submitter. Criteria: Invitae Variant Classification Sherloc (09022015). Collection method: clinical testing. Allele origin: germline.
Comment: This sequence change replaces serine, which is neutral and polar, with threonine, which is neutral and polar, at codon 359 of the IRF9 protein (p.Ser359Thr). This variant is present in population databases (rs780040956, gnomAD 0.003%). This variant has not been reported in the literature in individuals affected with IRF9-related conditions. An algorithm developed to predict the effect of missense changes on protein structure and function (PolyPhen-2) suggests that this variant is likely to be tolerated. In summary, the available evidence is currently insufficient to determine the role of this variant in disease. Therefore, it has been classified as a Variant of Uncertain Significance.

NM_006084.5(IRF9):c.1076G>C (p.Ser359Thr)

Gene: IRF9 (interferon regulatory factor 9; plus strand). Cytogenetic location: 14q12.
Variant type: single nucleotide variant.
Coding change: c.1076G>C on transcript NM_006084.5 (MANE Select); coding-DNA position 1076, G replaced by C.
Protein change: p.Ser359Thr; replaces serine 359 with threonine.
Molecular consequence: missense variant.
Genome position (GRCh38, 1-based): chr14:24,165,931, G>C. VCF-style: chr14-24165931-G-C. GRCh37 (hg19) VCF-style: chr14-24635140-G-C.
Other names: c.1230G>C, p.Gln410His (NM_001385400.1); c.1103G>C, p.Ser368Thr (NM_001385401.1); c.813G>C, p.Gln271His (NM_001385402.1); short protein forms Q410H, S368T, Q271H, S359T.
Identifiers: ClinVar variation 4732546 (VCV004732546.1).